The following is an entry in ClinVar:

ClinVar aggregate classification (germline): Likely pathogenic (1 of 4 stars; one submission).

Conditions:
Retinal disorder. Also called: Retinopathies; Retinal Diseases; Retinal disorders; Retinopathy. Identifiers: MedGen C0035309, MONDO:0005283, HP:0000488.

Submission:

Genetics Laboratory, Great Ormond Street Hospital NHS Foundation Trust, North Thames Genomic Laboratory Hub
Classification: Likely pathogenic for Retinal disorders. Last evaluated: 2025-09-10. Review status: criteria provided, single submitter. Criteria: ACGS Best Practice Guidelines for Variant Classification in Rare Disease 2024 v1.2. Collection method: clinical testing. Allele origin: germline. Affected: yes.
Comment: PM2_moderate, PVS1_strong, PM3_moderate

NM_014249.4(NR2E3):c.1194del (p.Pro399fs)

Gene: NR2E3 (nuclear receptor subfamily 2 group E member 3; plus strand). Cytogenetic location: 15q23.
Variant type: Deletion.
Coding change: c.1194del on transcript NM_014249.4 (MANE Select); coding-DNA position 1194, one base deleted (T; older notation c.1194delT).
Protein change: p.Pro399fs; shifts the reading frame from proline 399.
Molecular consequence: frameshift variant.
Genome position (GRCh38, 1-based): chr15:71,817,645, T deleted. VCF-style (leftmost placement, unchanged base first): chr15-71817644-CT-C. GRCh37 (hg19) VCF-style: chr15-72109985-CT-C.
Other names: short protein forms P399fs.
Identifiers: ClinVar variation 4526904 (VCV004526904.1).